The following is an entry in ClinVar:

ClinVar aggregate classification (germline): Uncertain significance (1 of 4 stars; one submission).

Conditions:
3-methylglutaconic aciduria type 5. Also called: MGA, TYPE V; CARDIOMYOPATHY, DILATED, WITH ATAXIA; 3 alpha methylglutaconic aciduria type V; MGA 5. Identifiers: Orphanet 66634, MedGen C1857776, MONDO:0012435, OMIM 610198.

Allele frequency attached by ClinVar (database versions not stated): gnomAD exomes below 0.00001; ExAC 0.00002; gnomAD 0.00002 and 0.00003; 1000 Genomes Project 0.00040; 1000 Genomes Project 30x 0.00047.
gnomAD v4.1: 9 of 1,614,120 alleles (0.00056%); highest among the groups gnomAD compares: Admixed American, 0.0083%; no homozygotes.

Submission:

Labcorp Genetics (formerly Invitae), Labcorp
Classification: Uncertain significance for 3-methylglutaconic aciduria type 5. Last evaluated: 2021-09-15. Review status: criteria provided, single submitter. Criteria: Invitae Variant Classification Sherloc (09022015). Collection method: clinical testing. Allele origin: germline.
Comment: This sequence change falls in intron 3 of the DNAJC19 gene. It does not directly change the encoded amino acid sequence of the DNAJC19 protein. It affects a nucleotide within the consensus splice site of the intron. This variant is present in population databases (rs192629594, ExAC 0.009%). This variant has not been reported in the literature in individuals affected with DNAJC19-related conditions. Variants that disrupt the consensus splice site are a relatively common cause of aberrant splicing (PMID: 17576681, 9536098). Algorithms developed to predict the effect of sequence changes on RNA splicing suggest that this variant is not likely to affect RNA splicing. In summary, the available evidence is currently insufficient to determine the role of this variant in disease. Therefore, it has been classified as a Variant of Uncertain Significance.

Literature cited by the submitters: PubMed 17576681; PubMed 9536098.

NM_145261.4(DNAJC19):c.129+6A>G

Gene: DNAJC19 (DnaJ heat shock protein family (Hsp40) member C19; minus strand). Cytogenetic location: 3q26.33.
Variant type: single nucleotide variant.
Coding change: c.129+6A>G on transcript NM_145261.4 (MANE Select); 6 bases into the intron after coding-DNA position 129, A replaced by G.
Molecular consequence: intron variant.
Genome position (GRCh38, 1-based): chr3:180,988,017, T>C on the plus strand (A>G on the coding strand, the complement: DNAJC19 is on the minus strand). VCF-style: chr3-180988017-T-C. GRCh37 (hg19) VCF-style: chr3-180705805-T-C.
Other names: c.54+6A>G (NM_001190233.2).
Identifiers: ClinVar variation 1483790 (VCV001483790.3), dbSNP rs192629594, ClinGen allele CA2717131.